The following is an entry in ClinVar:

NM_001287491.2(TET3):c.5186G>A (p.Arg1729Gln)

Gene: TET3 (tet methylcytosine dioxygenase 3; plus strand). Cytogenetic location: 2p13.1.
Variant type: single nucleotide variant.
Coding change: c.5186G>A on transcript NM_001287491.2 (MANE Select); coding-DNA position 5186, G replaced by A.
Protein change: p.Arg1729Gln; replaces arginine 1729 with glutamine.
Molecular consequence: missense variant.
Genome position (GRCh38, 1-based): chr2:74,101,974, G>A. VCF-style: chr2-74101974-G-A. GRCh37 (hg19) VCF-style: chr2-74329101-G-A.
Other names: c.4907G>A, p.Arg1636Gln (NM_001366022.1); c.4781G>A, p.Arg1594Gln (NM_144993.1); short protein forms R1594Q, R1636Q, R1729Q.
Identifiers: ClinVar variation 1803710 (VCV001803710.3), dbSNP rs754411426, ClinGen allele CA1719367.

ClinVar aggregate classification (germline): Uncertain significance (1 of 4 stars; one submission).

Conditions:
Beck-Fahrner syndrome (BEFAHRS). Identifiers: Orphanet 684216, MedGen C5394097, MONDO:0032922, OMIM 618798.

Allele frequency attached by ClinVar (database versions not stated): TOPMed 0.00001; ExAC 0.00003; gnomAD 0.00003; gnomAD exomes 0.00004.
gnomAD v4.1: 58 of 1,606,956 alleles (0.0036%); highest among the groups gnomAD compares: Non-Finnish European, 0.0043%; no homozygotes.

Submission:

Illumina Laboratory Services, Illumina
Classification: Uncertain significance for Beck-Fahrner syndrome. Last evaluated: 2022-04-25. Review status: criteria provided, single submitter. Criteria: ICSLVariantClassificationCriteria RUGD 01 April 2020. Collection method: clinical testing. Allele origin: unknown.
Comment: The TET3 c.5186G>A (p.Arg1729Gln) missense variant results in the substitution of arginine at amino acid position 1729 with glutamine. To our knowledge, this variant has not been reported in the peer-reviewed literature. This variant is reported in the Genome Aggregation Database in four alleles at a frequency of 0.000037 in the European (non-Finnish) population (version 2.1.1). Based on the available evidence, the c.5186G>A (p.Arg1729Gln) variant is classified as a variant of uncertain significance for Beck-Fahrner syndrome.